The following is an entry in ClinVar:

ClinVar aggregate classification (germline): Pathogenic. Review status: criteria provided, multiple submitters, no conflicts (2 of 4 stars). 2 submissions from 2 submitters: Pathogenic (2). Last evaluated 2026-04-02.

Conditions:
POLG-related disorder. Also called: POLG-related condition; POLG-Related Disorders; POLG-Related Spectrum Disorders. Identifiers: MedGen C4763519.
Progressive sclerosing poliodystrophy (MTDPS4A). Also called: NEURONAL DEGENERATION OF CHILDHOOD WITH LIVER DISEASE, PROGRESSIVE; ALPERS PROGRESSIVE INFANTILE POLIODYSTROPHY; Mitochondrial DNA depletion syndrome 4A (Alpers type); Alpers Syndrome; ALPERS DIFFUSE DEGENERATION OF CEREBRAL GRAY MATTER WITH HEPATIC CIRRHOSIS; Alpers-Huttenlocher Syndrome. Identifiers: Orphanet 726, MedGen C0205710, MONDO:0008758, OMIM 203700.

Allele frequency attached by ClinVar (database versions not stated): gnomAD exomes below 0.00001.
gnomAD v4.1: 1 of 1,614,180 alleles (0.000062%); highest among the groups gnomAD compares: South Asian, 0.0011%; no homozygotes.

Submissions (2):

Myriad Genetics, Inc.
Classification: Pathogenic for POLG-related disorder. Last evaluated: 2026-04-02. Review status: criteria provided, single submitter. Criteria: Myriad Autosomal Dominant, Autosomal Recessive and X-Linked Classification Criteria (2023). Collection method: clinical testing. Allele origin: unknown.
Comment: NM_002693.2(POLG):c.3067C>T(Q1023*) is expected to be pathogenic in the context of POLG-related disorders. This variant is predicted to lead to an abnormal or absent protein product due to the creation of a premature termination codon in POLG, a gene where loss-of-function variants are known to be pathogenic. Please note: this variant was assessed in the context of healthy population screening.

Wong Mito Lab, Molecular and Human Genetics, Baylor College of Medicine
Classification: Pathogenic for Progressive sclerosing poliodystrophy. Last evaluated: 2018-10-01. Review status: criteria provided, single submitter. Criteria: ACMG Guidelines, 2015. Collection method: clinical testing. Allele origin: germline.
Comment: The NM_002693.2:c.3067C>T (NP_002684.1:p.Gln1023Ter) [GRCH38: NC_000015.10:g.89319265G>A] variant in POLG gene is interpretated to be a Pathogenic based on ACMG guidelines (PMID: 25741868). This variant meets the following evidence codes reported in the ACMG-guideline. PVS1:This variant is a predicted null variant in POLG where loss of function is a known mechanism of disease. PM2:This variant is absent in key population databases. PM3:Detected in trans with a pathogenic variant for Mitochondrial DNA depletion syndrome 4A (Alpers type) which is a recessive disorder. PM4:This variant causes alteration in the length of expressed protein. PP1:This variant is co-segregated with Mitochondrial DNA depletion syndrome 4A (Alpers type) in multiple affected family members. PP4:Patient's phenotype or family history is highly specific for POLG. Based on the evidence criteria codes applied, the variant is suggested to be Pathogenic.

NM_002693.3(POLG):c.3067C>T (p.Gln1023Ter)

Gene: POLG (DNA polymerase gamma, catalytic subunit; minus strand). Cytogenetic location: 15q26.1.
Variant type: single nucleotide variant.
Coding change: c.3067C>T on transcript NM_002693.3 (MANE Select); coding-DNA position 3067, C replaced by T.
Protein change: p.Gln1023Ter; replaces glutamine 1023 with a stop codon.
Molecular consequence: nonsense.
Genome position (GRCh38, 1-based): chr15:89,319,265, G>A on the plus strand (C>T on the coding strand, the complement: POLG is on the minus strand). VCF-style: chr15-89319265-G-A. GRCh37 (hg19) VCF-style: chr15-89862496-G-A.
Other names: c.3067C>T, p.Gln1023Ter (NM_001126131.2); short protein forms Q1023*.
Identifiers: ClinVar variation 619307 (VCV000619307.2), dbSNP rs1567185770, ClinGen allele CA10602254.